The following is an entry in ClinVar:

NM_004415.4(DSP):c.5816T>C (p.Ile1939Thr)

Gene: DSP (desmoplakin; plus strand). Cytogenetic location: 6p24.3.
Variant type: single nucleotide variant.
Coding change: c.5816T>C on transcript NM_004415.4 (MANE Select); coding-DNA position 5816, T replaced by C.
Protein change: p.Ile1939Thr; replaces isoleucine 1939 with threonine.
Molecular consequence: missense variant.
Genome position (GRCh38, 1-based): chr6:7,583,078, T>C. VCF-style: chr6-7583078-T-C. GRCh37 (hg19) VCF-style: chr6-7583311-T-C.
Other names: c.4019T>C, p.Ile1340Thr (NM_001008844.3); c.4487T>C, p.Ile1496Thr (NM_001319034.2); short protein forms I1496T, I1340T, I1939T.
Identifiers: ClinVar variation 2775331 (VCV002775331.2), dbSNP rs2533937721, ClinGen allele CA362689475.

ClinVar aggregate classification (germline): Uncertain significance (1 of 4 stars; one submission).

Conditions:
Cardiomyopathy (CMYO). Also called: Cardiomyopathies. Identifiers: Orphanet 167848, MedGen C0878544, MONDO:0004994, HP:0001638. Inheritance: Various modes of inheritance.

Submission:

Color Diagnostics, LLC DBA Color Health
Classification: Uncertain significance for Cardiomyopathy. Last evaluated: 2023-05-08. Review status: criteria provided, single submitter. Criteria: ACMG Guidelines, 2015. Collection method: clinical testing. Allele origin: germline.
Comment: This missense variant replaces isoleucine with threonine at codon 1939 of the DSP protein. Computational prediction suggests that this variant may not impact protein structure and function (internally defined REVEL score threshold <= 0.5, PMID: 27666373). To our knowledge, functional studies have not been reported for this variant. This variant has not been reported in individuals affected with DSP-related disorders in the literature. This variant has not been identified in the general population by the Genome Aggregation Database (gnomAD). The available evidence is insufficient to determine the role of this variant in disease conclusively. Therefore, this variant is classified as a Variant of Uncertain Significance.